The following is an entry in ClinVar:

NM_001130987.2(DYSF):c.964C>T (p.Arg322Cys)

Gene: DYSF (dysferlin; plus strand). Cytogenetic location: 2p13.2.
Variant type: single nucleotide variant.
Coding change: c.964C>T on transcript NM_001130987.2 (MANE Select); coding-DNA position 964, C replaced by T.
Protein change: p.Arg322Cys; replaces arginine 322 with cysteine.
Molecular consequence: missense variant.
Genome position (GRCh38, 1-based): chr2:71,517,001, C>T. VCF-style: chr2-71517001-C-T. GRCh37 (hg19) VCF-style: chr2-71744131-C-T.
Other names: p.Arg290Cys; c.871C>T, p.Arg291Cys (NM_001130455.2, NM_001130983.2, NM_001130984.2 and 1 more transcripts); c.868C>T, p.Arg290Cys (NM_001130976.2, NM_001130977.2, NM_001130978.2 and 1 more transcripts); c.961C>T, p.Arg321Cys (NM_001130979.2, NM_001130980.2, NM_001130981.2); c.964C>T, p.Arg322Cys (NM_001130982.2, NM_001130985.2); short protein forms R290C, R291C, R321C, R322C.
Identifiers: ClinVar variation 1007179 (VCV001007179.8), dbSNP rs1375948337, ClinGen allele CA347210145.

ClinVar aggregate classification (germline): Uncertain significance. Review status: criteria provided, multiple submitters, no conflicts (2 of 4 stars). 3 submissions from 3 submitters: Uncertain significance (2). 1 of the submissions does not count toward it. Last evaluated 2025-09-18.

Conditions:
Neuromuscular disease caused by qualitative or quantitative defects of dysferlin. Also called: Qualitative or quantitative defects of dysferlin; Dysferlinopathy. Identifiers: Orphanet 207073, MedGen C2931687, MONDO:0016145.
Autosomal recessive limb-girdle muscular dystrophy type 2B (LGMDR2). Also called: Limb-girdle muscular dystrophy, type 2B; MUSCULAR DYSTROPHY, LIMB-GIRDLE, AUTOSOMAL RECESSIVE 2; MUSCULAR DYSTROPHY, LIMB-GIRDLE, TYPE 3; Limb-Girdle Muscular Dystrophy Type 2B (LGMD2B). Identifiers: Orphanet 268, MedGen C1850889, MONDO:0009676, OMIM 253601.

Allele frequency attached by ClinVar (database versions not stated): gnomAD exomes below 0.00001 and 0.00001; TOPMed below 0.00001.
gnomAD v4.1: 5 of 1,614,156 alleles (0.00031%); highest among the groups gnomAD compares: Admixed American, 0.0033%; no homozygotes.

Submissions (3):

Mayo Clinic Laboratories, Mayo Clinic
Classification: Uncertain significance. Last evaluated: 2025-09-18. Review status: criteria provided, single submitter. Criteria: ACMG Guidelines, 2015. Collection method: clinical testing. Allele origin: germline. Observed: 1 variant allele.

Labcorp Genetics (formerly Invitae), Labcorp
Classification: Uncertain significance for Neuromuscular disease caused by qualitative or quantitative defects of dysferlin. Last evaluated: 2021-09-01. Review status: criteria provided, single submitter. Criteria: Invitae Variant Classification Sherloc (09022015). Collection method: clinical testing. Allele origin: germline.
Comment: This sequence change replaces arginine with cysteine at codon 290 of the DYSF protein (p.Arg290Cys). The arginine residue is moderately conserved and there is a large physicochemical difference between arginine and cysteine. This variant is not present in population databases (ExAC no frequency). This variant has not been reported in the literature in individuals affected with DYSF-related conditions. Advanced modeling of protein sequence and biophysical properties (such as structural, functional, and spatial information, amino acid conservation, physicochemical variation, residue mobility, and thermodynamic stability) performed at Invitae indicates that this missense variant is not expected to disrupt DYSF protein function. In summary, the available evidence is currently insufficient to determine the role of this variant in disease. Therefore, it has been classified as a Variant of Uncertain Significance.

Natera, Inc.
Classification: Uncertain significance for Limb-girdle muscular dystrophy type 2B. Last evaluated: 2020-08-29. Review status: no assertion criteria provided. Collection method: clinical testing. Allele origin: germline. Not counted in ClinVar's aggregate classification.